The following is an entry in ClinVar:

ClinVar aggregate classification (germline): Uncertain significance (1 of 4 stars; one submission).

Allele frequency attached by ClinVar (database versions not stated): TOPMed below 0.00001; ExAC 0.00001.
gnomAD v4.1: 27 of 1,613,962 alleles (0.0017%); highest among the groups gnomAD compares: Non-Finnish European, 0.0017%; no homozygotes.

Submission:

Labcorp Genetics (formerly Invitae), Labcorp
Classification: Uncertain significance. Last evaluated: 2025-11-23. Review status: criteria provided, single submitter. Criteria: Invitae Variant Classification Sherloc (09022015). Collection method: clinical testing. Allele origin: germline.
Comment: This sequence change replaces glutamic acid, which is acidic and polar, with lysine, which is basic and polar, at codon 111 of the DNAJC17 protein (p.Glu111Lys). This variant is present in population databases (rs777526419, gnomAD 0.003%). This variant has not been reported in the literature in individuals affected with DNAJC17-related conditions. ClinVar contains an entry for this variant (Variation ID: 2070639). An algorithm developed to predict the effect of missense changes on protein structure and function (PolyPhen-2) suggests that this variant is likely to be tolerated. In summary, the available evidence is currently insufficient to determine the role of this variant in disease. Therefore, it has been classified as a Variant of Uncertain Significance.

NM_018163.3(DNAJC17):c.331G>A (p.Glu111Lys)

Gene: DNAJC17 (DnaJ heat shock protein family (Hsp40) member C17; minus strand). Cytogenetic location: 15q15.1.
Variant type: single nucleotide variant.
Coding change: c.331G>A on transcript NM_018163.3 (MANE Select); coding-DNA position 331, G replaced by A.
Protein change: p.Glu111Lys; replaces glutamic acid 111 with lysine.
Molecular consequence: missense variant.
Genome position (GRCh38, 1-based): chr15:40,776,592, C>T on the plus strand (G>A on the coding strand, the complement: DNAJC17 is on the minus strand). VCF-style: chr15-40776592-C-T. GRCh37 (hg19) VCF-style: chr15-41068790-C-T.
Other names: short protein forms E111K.
Identifiers: ClinVar variation 2070639 (VCV002070639.4), dbSNP rs777526419, ClinGen allele CA7485209.
Genomic context (GRCh38, chr15:40,776,592, plus strand): 5'-GAGTGCTCACCTCTTGCTCTAGTGTCCTGGTGCTCCGGCTCTCCTCTTCCTCCTCACTCT[C>T]CTGGGCCTGGGCCTGCCGCTCCCGGGCCTCCAGGTCTAGACACAAGGGTTGAATGACCAG-3'
Protein context (NP_060633.1, residues 101-121): EARERQAQAQ[Glu111Lys]SEEEEESRST